The following is an entry in ClinVar:

NM_153006.3(NAGS):c.1272C>G (p.Tyr424Ter)

Gene: NAGS (N-acetylglutamate synthase; plus strand). Cytogenetic location: 17q21.31.
Variant type: single nucleotide variant.
Coding change: c.1272C>G on transcript NM_153006.3 (MANE Select); coding-DNA position 1272, C replaced by G.
Protein change: p.Tyr424Ter; replaces tyrosine 424 with a stop codon.
Molecular consequence: nonsense.
Genome position (GRCh38, 1-based): chr17:44,007,594, C>G. VCF-style: chr17-44007594-C-G. GRCh37 (hg19) VCF-style: chr17-42084962-C-G.
Other names: c.1272C>G (NM_153006.2); short protein forms Y424*.
Identifiers: ClinVar variation 1370006 (VCV001370006.8), dbSNP rs1214956593, ClinGen allele CA399727390.

ClinVar aggregate classification (germline): Pathogenic/Likely pathogenic. Review status: criteria provided, multiple submitters, no conflicts (2 of 4 stars). 2 submissions from 2 submitters: Pathogenic (1); Likely pathogenic (1). Last evaluated 2025-03-17.

Conditions:
Hyperammonemia, type III (NAGSD). Also called: Hyperammonemia due to N-acetylglutamate synthase deficiency. Identifiers: Orphanet 927, MedGen C0268543, MONDO:0009377, OMIM 237310.

Allele frequency attached by ClinVar (database versions not stated): gnomAD 0.00001; gnomAD exomes below 0.00001.
gnomAD v4.1: 5 of 1,609,244 alleles (0.00031%); highest among the groups gnomAD compares: Non-Finnish European, 0.00042%; no homozygotes.

Submissions (2):

Labcorp Genetics (formerly Invitae), Labcorp
Classification: Pathogenic for Hyperammonemia, type III. Last evaluated: 2025-03-17. Review status: criteria provided, single submitter. Criteria: Invitae Variant Classification Sherloc (09022015). Collection method: clinical testing. Allele origin: germline.
Comment: This sequence change creates a premature translational stop signal (p.Tyr424*) in the NAGS gene. It is expected to result in an absent or disrupted protein product. Loss-of-function variants in NAGS are known to be pathogenic (PMID: 12594532). This variant is present in population databases (no rsID available, gnomAD 0.001%). This variant has not been reported in the literature in individuals affected with NAGS-related conditions. ClinVar contains an entry for this variant (Variation ID: 1370006). Algorithms developed to predict the effect of sequence changes on RNA splicing suggest that this variant may create or strengthen a splice site. For these reasons, this variant has been classified as Pathogenic.

Natera, Inc.
Classification: Likely pathogenic for Hyperammonemia type III. Last evaluated: 2024-02-23. Review status: criteria provided, single submitter. Criteria: Natera Variant Classification Schema (03/2026). Collection method: clinical testing. Allele origin: germline.
Comment: The c.1272C>G variant in NAGS is a nonsense variant predicted to introduce a stop codon at amino acid 424. This variant is expected to result in nonsense mediated decay, truncation, or a dysfunctional protein product. This variant is rare in the general population with a frequency below the threshold expected for the associated phenotype(s). Given the available evidence, this variant is classified as Likely Pathogenic.

Literature cited by the submitters: PubMed 12594532 (cited by Labcorp Genetics (formerly Invitae), Labcorp).